The following is an entry in ClinVar:

NM_001128840.3(CACNA1D):c.2773G>T (p.Ala925Ser)

Gene: CACNA1D (calcium voltage-gated channel subunit alpha1 D; plus strand). Cytogenetic location: 3p21.1.
Variant type: single nucleotide variant.
Coding change: c.2773G>T on transcript NM_001128840.3 (MANE Select); coding-DNA position 2773, G replaced by T.
Protein change: p.Ala925Ser; replaces alanine 925 with serine.
Molecular consequence: missense variant.
Genome position (GRCh38, 1-based): chr3:53,740,301, G>T. VCF-style: chr3-53740301-G-T. GRCh37 (hg19) VCF-style: chr3-53774328-G-T.
Other names: c.2833G>T, p.Ala945Ser (NM_000720.4); c.2773G>T, p.Ala925Ser (NM_001128839.3); short protein forms A945S, A925S.
Identifiers: ClinVar variation 2977840 (VCV002977840.3), dbSNP rs2473878850, ClinGen allele CA353244709.
Genomic context (GRCh38, chr3:53,740,301, plus strand): 5'-TGAATTCCTTTTCTCACTCCCACATGTTGTGCCTTGCAGATACTGGGTTACTTTGACTAT[G>T]CCTTCACAGCCATCTTTACTGTTGAGATCCTGTTGAAGGTAATGAATTTTCCTTGATCTT-3'
Protein context (NP_001122312.1, residues 915-935): RNTILGYFDY[Ala925Ser]FTAIFTVEIL

ClinVar aggregate classification (germline): Uncertain significance (1 of 4 stars; one submission).

Submission:

Labcorp Genetics (formerly Invitae), Labcorp
Classification: Uncertain significance. Last evaluated: 2023-03-13. Review status: criteria provided, single submitter. Criteria: Invitae Variant Classification Sherloc (09022015). Collection method: clinical testing. Allele origin: germline.
Comment: This variant is not present in population databases (gnomAD no frequency). This sequence change replaces alanine, which is neutral and non-polar, with serine, which is neutral and polar, at codon 945 of the CACNA1D protein (p.Ala945Ser). This variant has not been reported in the literature in individuals affected with CACNA1D-related conditions. In summary, the available evidence is currently insufficient to determine the role of this variant in disease. Therefore, it has been classified as a Variant of Uncertain Significance. Algorithms developed to predict the effect of sequence changes on RNA splicing suggest that this variant may disrupt the consensus splice site. Advanced modeling of protein sequence and biophysical properties (such as structural, functional, and spatial information, amino acid conservation, physicochemical variation, residue mobility, and thermodynamic stability) performed at Invitae indicates that this missense variant is not expected to disrupt CACNA1D protein function.